The following is an entry in ClinVar:

NM_006361.6(HOXB13):c.219G>A (p.Thr73=)

Gene: HOXB13 (homeobox B13; minus strand). Cytogenetic location: 17q21.32.
Variant type: single nucleotide variant.
Coding change: c.219G>A on transcript NM_006361.6 (MANE Select); coding-DNA position 219, G replaced by A.
Protein change: p.Thr73=; no amino-acid change (threonine 73 retained).
Molecular consequence: synonymous variant.
Genome position (GRCh38, 1-based): chr17:48,728,375, C>T on the plus strand (G>A on the coding strand, the complement: HOXB13 is on the minus strand). VCF-style: chr17-48728375-C-T. GRCh37 (hg19) VCF-style: chr17-46805737-C-T.
Identifiers: ClinVar variation 2681992 (VCV002681992.6), dbSNP rs776203446, ClinGen allele CA8634037.

ClinVar aggregate classification (germline): Benign/Likely benign. Review status: criteria provided, multiple submitters, no conflicts (2 of 4 stars). 4 submissions from 4 submitters: Benign (2); Likely benign (2). Last evaluated 2024-10-29.

Conditions:
Prostate cancer, hereditary, 9 (HPC9). Identifiers: Orphanet 1331, MedGen C1970250, MONDO:0012597, OMIM 610997.
Hereditary cancer-predisposing syndrome. Also called: Neoplastic Syndromes, Hereditary; Hereditary neoplastic syndrome; Tumor predisposition; Hereditary Cancer Syndrome. Identifiers: Orphanet 140162, MedGen C0027672, MeSH D009386, MONDO:0015356.

Allele frequency attached by ClinVar (database versions not stated): ExAC 0.00001; gnomAD exomes 0.00001.
gnomAD v4.1: 4 of 1,613,900 alleles (0.00025%); highest among the groups gnomAD compares: Admixed American, 0.0067%; no homozygotes.

Submissions (4):

Myriad Genetics, Inc.
Classification: Benign for Prostate cancer, hereditary, 9. Last evaluated: 2024-10-29. Review status: criteria provided, single submitter. Criteria: Myriad Autosomal Dominant, Autosomal Recessive and X-Linked Classification Criteria (2023). Collection method: clinical testing. Allele origin: unknown.
Comment: This variant is considered benign. This variant is a silent/synonymous amino acid change and it is not expected to impact splicing.

Ambry Genetics
Classification: Likely benign for Hereditary cancer-predisposing syndrome. Last evaluated: 2023-10-22. Review status: criteria provided, single submitter. Criteria: Ambry Variant Classification Scheme 2023. Collection method: clinical testing. Allele origin: germline.

Labcorp Genetics (formerly Invitae), Labcorp
Classification: Likely benign. Last evaluated: 2023-05-01. Review status: criteria provided, single submitter. Criteria: Invitae Variant Classification Sherloc (09022015). Collection method: clinical testing. Allele origin: germline.

Quest Diagnostics Nichols Institute San Juan Capistrano
Classification: Benign. Last evaluated: 2023-01-03. Review status: criteria provided, single submitter. Criteria: Quest Diagnostics criteria. Collection method: clinical testing. Allele origin: unknown.